The following is an entry in ClinVar:

ClinVar aggregate classification (germline): Likely pathogenic (1 of 4 stars; one submission).

Submission:

Quest Diagnostics Nichols Institute San Juan Capistrano
Classification: Likely pathogenic. Last evaluated: 2024-10-14. Review status: criteria provided, single submitter. Criteria: Quest Diagnostics criteria. Collection method: clinical testing. Allele origin: unknown.
Comment: The VWF c.1534-2A>C variant disrupts a canonical splice-acceptor site and is predicted to interfere with normal VWF mRNA splicing. This variant has not been reported in individuals with VWF-related conditions in the published literature. However, an individual affected with Type 3 vWD had the c.1534-13_1551delinsCA variant that also affects the same splice site and caused aberrant, out-of-frame splicing affecting exons 14 and 15 (PMID: 28536718 (2017), 34882887 (2022)). The c.1534-2A>C variant has not been reported in large, multi-ethnic general populations (Genome Aggregation Database). Based on the available information, this variant is classified as likely pathogenic.

Literature cited by the submitters: PubMed 34882887.

NM_000552.5(VWF):c.1534-2A>C

Gene: VWF (von Willebrand factor; minus strand). Cytogenetic location: 12p13.31.
Variant type: single nucleotide variant.
Coding change: c.1534-2A>C on transcript NM_000552.5 (MANE Select); the canonical splice acceptor site of the intron before coding-DNA position 1534, A replaced by C.
Molecular consequence: splice acceptor variant.
Genome position (GRCh38, 1-based): chr12:6,058,046, T>G on the plus strand (A>C on the coding strand, the complement: VWF is on the minus strand). VCF-style: chr12-6058046-T-G. GRCh37 (hg19) VCF-style: chr12-6167212-T-G.
Identifiers: ClinVar variation 3572191 (VCV003572191.1).